The following is an entry in ClinVar:

ClinVar aggregate classification (germline): Uncertain significance (1 of 4 stars; one submission).

Conditions:
Epilepsy, childhood absence, susceptibility to, 1. Also called: Epilepsy, childhood absence 1. Identifiers: Orphanet 64280, MedGen C1838604, MONDO:0020759, OMIM 600131.
Epilepsy, childhood absence, susceptibility to, 5. Identifiers: Orphanet 64280, MedGen C2677087, MONDO:0012843, OMIM 612269.

Submission:

Labcorp Genetics (formerly Invitae), Labcorp
Classification: Uncertain significance for Epilepsy, childhood absence, susceptibility to, 5; Epilepsy, childhood absence, susceptibility to, 1. Last evaluated: 2025-09-10. Review status: criteria provided, single submitter. Criteria: Invitae Variant Classification Sherloc (09022015). Collection method: clinical testing. Allele origin: germline.
Comment: This sequence change replaces proline, which is neutral and non-polar, with arginine, which is basic and polar, at codon 60 of the GABRB3 protein (p.Pro60Arg). This variant is not present in population databases (gnomAD no frequency). This variant has not been reported in the literature in individuals affected with GABRB3-related conditions. Invitae Evidence Modeling of protein sequence and biophysical properties (such as structural, functional, and spatial information, amino acid conservation, physicochemical variation, residue mobility, and thermodynamic stability) has been performed for this missense variant. However, the output from this modeling did not meet the statistical confidence thresholds required to predict the impact of this variant on GABRB3 protein function. In summary, the available evidence is currently insufficient to determine the role of this variant in disease. Therefore, it has been classified as a Variant of Uncertain Significance.

NM_000814.6(GABRB3):c.179C>G (p.Pro60Arg)

Gene: GABRB3 (gamma-aminobutyric acid type A receptor subunit beta3; minus strand). Cytogenetic location: 15q12.
Variant type: single nucleotide variant.
Coding change: c.179C>G on transcript NM_000814.6 (MANE Select); coding-DNA position 179, C replaced by G.
Protein change: p.Pro60Arg; replaces proline 60 with arginine.
Molecular consequence: missense variant. On other transcripts: 5 prime UTR variant (1).
Genome position (GRCh38, 1-based): chr15:26,772,463, G>C on the plus strand (C>G on the coding strand, the complement: GABRB3 is on the minus strand). VCF-style: chr15-26772463-G-C. GRCh37 (hg19) VCF-style: chr15-27017610-G-C.
Other names: c.-173C>G (NM_001278631.2); c.179C>G, p.Pro60Arg (NM_021912.5); short protein forms P60R.
Identifiers: ClinVar variation 4794008 (VCV004794008.1).